The following is an entry in ClinVar:

NM_004519.4(KCNQ3):c.2248A>G (p.Ile750Val)

Gene: KCNQ3 (potassium voltage-gated channel subfamily Q member 3; minus strand). Cytogenetic location: 8q24.22.
Variant type: single nucleotide variant.
Coding change: c.2248A>G on transcript NM_004519.4 (MANE Select); coding-DNA position 2248, A replaced by G.
Protein change: p.Ile750Val; replaces isoleucine 750 with valine.
Molecular consequence: missense variant.
Genome position (GRCh38, 1-based): chr8:132,129,633, T>C on the plus strand (A>G on the coding strand, the complement: KCNQ3 is on the minus strand). VCF-style: chr8-132129633-T-C. GRCh37 (hg19) VCF-style: chr8-133141880-T-C.
Other names: c.1888A>G, p.Ile630Val (NM_001204824.2); short protein forms I630V, I750V.
Identifiers: ClinVar variation 852113 (VCV000852113.11), dbSNP rs776413259, ClinGen allele CA4880483.
Genomic context (GRCh38, chr8:132,129,633, plus strand): 5'-AGGGGCCCTGCAGGTCAGCCTGGGAGTGGCAGCTCACTCGGGAGTCGAGAAGAGTCAAGA[T>C]AGGCAGGACCGTGGGCCTCTCCACATACGTTGTTGCTGAGGAAGGAGGAGTTGCCTGAAC-3'
Protein context (NP_004510.1, residues 740-760): TYVERPTVLP[Ile750Val]LTLLDSRVSC

ClinVar aggregate classification (germline): Uncertain significance (1 of 4 stars; one submission).

Conditions:
Benign neonatal seizures. Also called: Benign familial neonatal epilepsy; Benign familial neonatal seizures; Benign neonatal familial convulsions; Convulsions benign familial neonatal dominant form; Autosomal dominant form of benign neonatal seizures. Identifiers: Orphanet 1949, MedGen C0220669, MONDO:0016027.

Allele frequency attached by ClinVar (database versions not stated): ExAC 0.00001; gnomAD 0.00001; gnomAD exomes 0.00001; TOPMed 0.00001.
gnomAD v4.1: 7 of 1,613,990 alleles (0.00043%); highest among the groups gnomAD compares: African/African-American, 0.0027%; no homozygotes.

Submission:

Labcorp Genetics (formerly Invitae), Labcorp
Classification: Uncertain significance for Benign neonatal seizures. Last evaluated: 2023-04-14. Review status: criteria provided, single submitter. Criteria: Invitae Variant Classification Sherloc (09022015). Collection method: clinical testing. Allele origin: germline.
Comment: In summary, the available evidence is currently insufficient to determine the role of this variant in disease. Therefore, it has been classified as a Variant of Uncertain Significance. Advanced modeling of protein sequence and biophysical properties (such as structural, functional, and spatial information, amino acid conservation, physicochemical variation, residue mobility, and thermodynamic stability) performed at Invitae indicates that this missense variant is not expected to disrupt KCNQ3 protein function. ClinVar contains an entry for this variant (Variation ID: 852113). This variant has not been reported in the literature in individuals affected with KCNQ3-related conditions. This variant is present in population databases (rs776413259, gnomAD 0.006%). This sequence change replaces isoleucine, which is neutral and non-polar, with valine, which is neutral and non-polar, at codon 750 of the KCNQ3 protein (p.Ile750Val).